The following is an entry in ClinVar:

ClinVar aggregate classification (germline): Benign/Likely benign. Review status: criteria provided, multiple submitters, no conflicts (2 of 4 stars). 4 submissions from 4 submitters: Benign (3); Likely benign (1). Last evaluated 2026-01-24.

Conditions:
X-linked intellectual disability Cabezas type (MRXSC). Also called: CABEZAS SYNDROME; MENTAL RETARDATION, X-LINKED, SYNDROMIC 15; Intellectual developmental disorder, X-linked syndromic, Cabezas type. Identifiers: Orphanet 85289, Orphanet 85293, MedGen C1845861, MONDO:0010306, OMIM 300354.

Allele frequency attached by ClinVar (database versions not stated): 1000 Genomes Project 0.00265; gnomAD 0.00367 and 0.00395; ESP Exome Variant Server 0.00426; 1000 Genomes Project 30x 0.00312; TOPMed 0.00399; gnomAD exomes 0.00092; ExAC 0.00146.
gnomAD v4.1: 817 of 1,142,428 alleles (0.072%); highest among the groups gnomAD compares: African/African-American, 1.3%; 4 homozygotes.

Submissions (4):

Labcorp Genetics (formerly Invitae), Labcorp
Classification: Benign for X-linked intellectual disability Cabezas type. Last evaluated: 2026-01-24. Review status: criteria provided, single submitter. Criteria: Invitae Variant Classification Sherloc (09022015). Collection method: clinical testing. Allele origin: germline.

ARUP Laboratories, Molecular Genetics and Genomics, ARUP Laboratories
Classification: Benign for X-linked intellectual disability Cabezas type. Last evaluated: 2025-03-13. Review status: criteria provided, single submitter. Criteria: ARUP Molecular Germline Variant Investigation Process 2024. Collection method: clinical testing. Allele origin: germline.

Blueprint Genetics
Classification: Likely benign. Last evaluated: 2024-11-01. Review status: criteria provided, single submitter. Criteria: ACMG Guidelines, 2015. Collection method: clinical testing. Allele origin: germline.

GeneDx
Classification: Benign. Last evaluated: 2017-10-16. Review status: criteria provided, single submitter. Criteria: GeneDx Variant Classification (06012015). Collection method: clinical testing. Allele origin: germline. Affected: yes.
Comment: This variant is considered likely benign or benign based on one or more of the following criteria: it is a conservative change, it occurs at a poorly conserved position in the protein, it is predicted to be benign by multiple in silico algorithms, and/or has population frequency not consistent with disease.

NM_001079872.2(CUL4B):c.777-12C>T

Gene: CUL4B (cullin 4B; minus strand). Cytogenetic location: Xq24.
Variant type: single nucleotide variant.
Coding change: c.777-12C>T on transcript NM_001079872.2 (MANE Select); 12 bases into the intron before coding-DNA position 777, C replaced by T.
Molecular consequence: intron variant.
Genome position (GRCh38, 1-based): chrX:120,546,628, G>A on the plus strand (C>T on the coding strand, the complement: CUL4B is on the minus strand). VCF-style: chrX-120546628-G-A. GRCh37 (hg19) VCF-style: chrX-119680483-G-A.
Other names: c.831-12C>T (NM_003588.4); c.792-12C>T (NM_001330624.2); c.243-12C>T (NM_001369145.1).
Identifiers: ClinVar variation 506495 (VCV000506495.11), dbSNP rs192860595, ClinGen allele CA10505635.